The following is an entry in ClinVar:

NM_020779.4(WDR35):c.2551A>G (p.Ile851Val)

Genes: WDR35 (WD repeat domain 35; minus strand), LOC129933186 (ATAC-STARR-seq lymphoblastoid active region 15370; plus strand). Cytogenetic location: 2p24.1.
Variant type: single nucleotide variant.
Coding change: c.2551A>G on transcript NM_020779.4 (MANE Select); coding-DNA position 2551, A replaced by G.
Protein change: p.Ile851Val; replaces isoleucine 851 with valine.
Molecular consequence: missense variant.
Genome position (GRCh38, 1-based): chr2:19,933,508, T>C on the plus strand (A>G on the coding strand, the complement: WDR35 is on the minus strand). VCF-style: chr2-19933508-T-C. GRCh37 (hg19) VCF-style: chr2-20133269-T-C.
Other names: c.2584A>G, p.Ile862Val (NM_001006657.2); short protein forms I862V, I851V.
Identifiers: ClinVar variation 2074139 (VCV002074139.3), dbSNP rs762569821, ClinGen allele CA1542909.

ClinVar aggregate classification (germline): Uncertain significance. Review status: criteria provided, multiple submitters, no conflicts (2 of 4 stars). 2 submissions from 2 submitters: Uncertain significance (2). Last evaluated 2024-06-01.

Conditions:
Short-rib thoracic dysplasia 7 with or without polydactyly (SRTD7). Also called: Short rib polydactyly syndrome 5; SHORT-RIB THORACIC DYSPLASIA 7 WITH POLYDACTYLY. Identifiers: Orphanet 498497, Orphanet 93271, MedGen C3279792, MONDO:0013569, OMIM 614091.
Cranioectodermal dysplasia 2 (CED2). Identifiers: Orphanet 1515, MedGen C3150874, MONDO:0013323, OMIM 613610.

Allele frequency attached by ClinVar (database versions not stated): gnomAD 0.00001; TOPMed 0.00002; gnomAD exomes 0.00004; ExAC 0.00008.
gnomAD v4.1: 23 of 1,612,666 alleles (0.0014%); highest among the groups gnomAD compares: Admixed American, 0.035%; 1 homozygote.

Submissions (2):

Fulgent Genetics
Classification: Uncertain significance for Cranioectodermal dysplasia 2; Short-rib thoracic dysplasia 7 with or without polydactyly. Last evaluated: 2024-06-01. Review status: criteria provided, single submitter. Criteria: ACMG Guidelines, 2015. Collection method: clinical testing. Allele origin: germline.

Labcorp Genetics (formerly Invitae), Labcorp
Classification: Uncertain significance for Cranioectodermal dysplasia 2; Short-rib thoracic dysplasia 7 with or without polydactyly. Last evaluated: 2022-02-05. Review status: criteria provided, single submitter. Criteria: Invitae Variant Classification Sherloc (09022015). Collection method: clinical testing. Allele origin: germline.
Comment: This sequence change replaces isoleucine, which is neutral and non-polar, with valine, which is neutral and non-polar, at codon 862 of the WDR35 protein (p.Ile862Val). In summary, the available evidence is currently insufficient to determine the role of this variant in disease. Therefore, it has been classified as a Variant of Uncertain Significance. Algorithms developed to predict the effect of missense changes on protein structure and function (SIFT, PolyPhen-2, Align-GVGD) all suggest that this variant is likely to be tolerated. This variant has not been reported in the literature in individuals affected with WDR35-related conditions. This variant is present in population databases (rs762569821, gnomAD 0.02%), including at least one homozygous and/or hemizygous individual.